The following is an entry in ClinVar:

NM_016341.4(PLCE1):c.3000C>T (p.Ser1000=)

Gene: PLCE1 (phospholipase C epsilon 1; plus strand). Cytogenetic location: 10q23.33.
Variant type: single nucleotide variant.
Coding change: c.3000C>T on transcript NM_016341.4 (MANE Select); coding-DNA position 3000, C replaced by T.
Protein change: p.Ser1000=; no amino-acid change (serine 1000 retained).
Molecular consequence: synonymous variant.
Genome position (GRCh38, 1-based): chr10:94,246,525, C>T. VCF-style: chr10-94246525-C-T. GRCh37 (hg19) VCF-style: chr10-96006282-C-T.
Other names: c.2076C>T, p.Ser692= (NM_001165979.2); c.3000C>T, p.Ser1000= (NM_001288989.2).
Identifiers: ClinVar variation 4750441 (VCV004750441.3).
Genomic context (GRCh38, chr10:94,246,525, plus strand): 5'-CACAGACAACAGATTATTGCACTTCGTGGCACCAAAGCACACAGCTAAAATGCTCTTCAG[C>T]GGATTATTGGAACTCACTAGAGCTGTGAGAAAGATGAGGAAATTCCCTGACCAAAGACAG-3'
Protein context (NP_057425.3, residues 990-1010): APKHTAKMLF[Ser1000=]GLLELTRAVR

ClinVar aggregate classification (germline): Likely benign. Review status: criteria provided, multiple submitters, no conflicts (2 of 4 stars). 2 submissions from 2 submitters: Likely benign (2). Last evaluated 2026-05-01.

gnomAD v4.1: 46 of 1,614,024 alleles (0.0029%); highest among the groups gnomAD compares: East Asian, 0.045%; no homozygotes.

Submissions (2):

CeGaT Center for Human Genetics Tuebingen
Classification: Likely benign. Last evaluated: 2026-05-01. Review status: criteria provided, single submitter. Criteria: CeGaT Center For Human Genetics Tuebingen Variant Classification Criteria Version 2. Collection method: clinical testing. Allele origin: germline. Affected: yes. Observed: 1 variant allele.
Comment: PLCE1: BP4, BP7

Labcorp Genetics (formerly Invitae), Labcorp
Classification: Likely benign. Last evaluated: 2026-01-26. Review status: criteria provided, single submitter. Criteria: Invitae Variant Classification Sherloc (09022015). Collection method: clinical testing. Allele origin: germline.